The following is an entry in ClinVar:

ClinVar aggregate classification (germline): Uncertain significance (1 of 4 stars; one submission).

Conditions:
Primary ciliary dyskinesia. Also called: Ciliary dyskinesia. Identifiers: Orphanet 244, MedGen C0008780, MONDO:0016575, HP:0012265.

Allele frequency attached by ClinVar (database versions not stated): gnomAD 0.00001; gnomAD exomes 0.00008.
gnomAD v4.1: 66 of 1,614,028 alleles (0.0041%); highest among the groups gnomAD compares: Non-Finnish European, 0.0056%; no homozygotes.

Submission:

Labcorp Genetics (formerly Invitae), Labcorp
Classification: Uncertain significance for Primary ciliary dyskinesia. Last evaluated: 2024-05-13. Review status: criteria provided, single submitter. Criteria: Invitae Variant Classification Sherloc (09022015). Collection method: clinical testing. Allele origin: germline.
Comment: This sequence change replaces serine, which is neutral and polar, with tyrosine, which is neutral and polar, at codon 217 of the DNAAF5 protein (p.Ser217Tyr). This variant is not present in population databases (gnomAD no frequency). This variant has not been reported in the literature in individuals affected with DNAAF5-related conditions. ClinVar contains an entry for this variant (Variation ID: 935288). Advanced modeling of protein sequence and biophysical properties (such as structural, functional, and spatial information, amino acid conservation, physicochemical variation, residue mobility, and thermodynamic stability) performed at Invitae indicates that this missense variant is expected to disrupt DNAAF5 protein function with a positive predictive value of 80%. In summary, the available evidence is currently insufficient to determine the role of this variant in disease. Therefore, it has been classified as a Variant of Uncertain Significance.

NM_017802.4(DNAAF5):c.650C>A (p.Ser217Tyr)

Gene: DNAAF5 (dynein axonemal assembly factor 5; plus strand). Cytogenetic location: 7p22.3.
Variant type: single nucleotide variant.
Coding change: c.650C>A on transcript NM_017802.4 (MANE Select); coding-DNA position 650, C replaced by A.
Protein change: p.Ser217Tyr; replaces serine 217 with tyrosine.
Molecular consequence: missense variant.
Genome position (GRCh38, 1-based): chr7:729,717, C>A. VCF-style: chr7-729717-C-A. GRCh37 (hg19) VCF-style: chr7-769354-C-A.
Other names: short protein forms S217Y.
Identifiers: ClinVar variation 935288 (VCV000935288.9), dbSNP rs1781502389, ClinGen allele CA366531724.